The following is an entry in ClinVar:

ClinVar aggregate classification (germline): Likely benign. Review status: criteria provided, single submitter (1 of 4 stars). 2 submissions from 2 submitters: Likely benign (1). 1 of the submissions does not count toward it. Last evaluated 2025-10-18.

Conditions:
LRP2-related disorder. Also called: LRP2-related condition.

Allele frequency attached by ClinVar (database versions not stated): ExAC 0.00001; gnomAD 0.00001.
gnomAD v4.1: 17 of 1,612,582 alleles (0.0011%); highest among the groups gnomAD compares: Non-Finnish European, 0.0014%; no homozygotes.

Submissions (2):

Labcorp Genetics (formerly Invitae), Labcorp
Classification: Likely benign. Last evaluated: 2025-10-18. Review status: criteria provided, single submitter. Criteria: Invitae Variant Classification Sherloc (09022015). Collection method: clinical testing. Allele origin: germline.

PreventionGenetics, part of Exact Sciences
Classification: Likely benign for LRP2-related condition. Last evaluated: 2023-08-07. Review status: no assertion criteria provided. Collection method: clinical testing. Allele origin: germline. Not counted in ClinVar's aggregate classification.
Comment: This variant is classified as likely benign based on ACMG/AMP sequence variant interpretation guidelines (Richards et al. 2015 PMID: 25741868, with internal and published modifications).

NM_004525.3(LRP2):c.8853C>A (p.Ser2951=)

Gene: LRP2 (LDL receptor related protein 2; minus strand). Cytogenetic location: 2q31.1.
Variant type: single nucleotide variant.
Coding change: c.8853C>A on transcript NM_004525.3 (MANE Select); coding-DNA position 8853, C replaced by A.
Protein change: p.Ser2951=; no amino-acid change (serine 2951 retained).
Molecular consequence: synonymous variant.
Genome position (GRCh38, 1-based): chr2:169,192,011, G>T on the plus strand (C>A on the coding strand, the complement: LRP2 is on the minus strand). VCF-style: chr2-169192011-G-T. GRCh37 (hg19) VCF-style: chr2-170048521-G-T.
Other names: c.8853C>A (NM_004525.2).
Identifiers: ClinVar variation 2889106 (VCV002889106.5), dbSNP rs748525836, ClinGen allele CA1953729.
Genomic context (GRCh38, chr2:169,192,011, plus strand): 5'-GACCCAAGACTGGGGAATGCACCTCCTGTCCGGAGGTCTGTCATTTACACAGAGAAACTC[G>T]GAATCCGAGCAGTTTTGATTCTCTGAAACCAAAGCACGCAAGAATCAGAAAGCATGAGAG-3'
Protein context (NP_004516.2, residues 2941-2961): HQCQNQNCSD[Ser2951=]EFLCVNDRPP